The following is an entry in ClinVar:

ClinVar aggregate classification (germline): Uncertain significance (1 of 4 stars; one submission).

Conditions:
KBG syndrome (KBGS). Also called: ANKRD11-Related KBG Syndrome. Identifiers: Orphanet 2332, MedGen C0220687, MONDO:0007846, OMIM 148050.

Allele frequency attached by ClinVar (database versions not stated): TOPMed 0.00001; gnomAD exomes below 0.00001; ExAC 0.00001; gnomAD 0.00001.
gnomAD v4.1: 6 of 1,613,098 alleles (0.00037%); highest among the groups gnomAD compares: African/African-American, 0.0027%; no homozygotes.

Submission:

Labcorp Genetics (formerly Invitae), Labcorp
Classification: Uncertain significance for KBG syndrome. Last evaluated: 2024-05-15. Review status: criteria provided, single submitter. Criteria: Invitae Variant Classification Sherloc (09022015). Collection method: clinical testing. Allele origin: germline.
Comment: This sequence change replaces glutamic acid, which is acidic and polar, with lysine, which is basic and polar, at codon 2152 of the ANKRD11 protein (p.Glu2152Lys). This variant is present in population databases (rs770325167, gnomAD 0.006%). This variant has not been reported in the literature in individuals affected with ANKRD11-related conditions. ClinVar contains an entry for this variant (Variation ID: 1053423). Advanced modeling of protein sequence and biophysical properties (such as structural, functional, and spatial information, amino acid conservation, physicochemical variation, residue mobility, and thermodynamic stability) performed at Invitae indicates that this missense variant is not expected to disrupt ANKRD11 protein function with a negative predictive value of 95%. In summary, the available evidence is currently insufficient to determine the role of this variant in disease. Therefore, it has been classified as a Variant of Uncertain Significance.

NM_013275.6(ANKRD11):c.6454G>A (p.Glu2152Lys)

Gene: ANKRD11 (ankyrin repeat domain 11; minus strand). Cytogenetic location: 16q24.3.
Variant type: single nucleotide variant.
Coding change: c.6454G>A on transcript NM_013275.6 (MANE Select); coding-DNA position 6454, G replaced by A.
Protein change: p.Glu2152Lys; replaces glutamic acid 2152 with lysine.
Molecular consequence: missense variant.
Genome position (GRCh38, 1-based): chr16:89,280,088, C>T on the plus strand (G>A on the coding strand, the complement: ANKRD11 is on the minus strand). VCF-style: chr16-89280088-C-T. GRCh37 (hg19) VCF-style: chr16-89346496-C-T.
Other names: c.6454G>A, p.Glu2152Lys (NM_001256182.2, NM_001256183.2); short protein forms E2152K.
Identifiers: ClinVar variation 1053423 (VCV001053423.10), dbSNP rs770325167, ClinGen allele CA8241441.